The following is an entry in ClinVar:

NM_207361.6(FREM2):c.386G>T (p.Cys129Phe)

Gene: FREM2 (FRAS1 related extracellular matrix 2; plus strand). Cytogenetic location: 13q13.3.
Variant type: single nucleotide variant.
Coding change: c.386G>T on transcript NM_207361.6 (MANE Select); coding-DNA position 386, G replaced by T.
Protein change: p.Cys129Phe; replaces cysteine 129 with phenylalanine.
Molecular consequence: missense variant.
Genome position (GRCh38, 1-based): chr13:38,687,730, G>T. VCF-style: chr13-38687730-G-T. GRCh37 (hg19) VCF-style: chr13-39261867-G-T.
Other names: short protein forms C129F.
Identifiers: ClinVar variation 1311213 (VCV001311213.2), dbSNP rs745938776, ClinGen allele CA387882119.

ClinVar aggregate classification (germline): Uncertain significance (1 of 4 stars; one submission).

Submission:

GeneDx
Classification: Uncertain significance. Last evaluated: 2019-09-06. Review status: criteria provided, single submitter. Criteria: GeneDx Variant Classification Process June 2021. Collection method: clinical testing. Allele origin: germline. Affected: yes.
Comment: Not observed in large population cohorts (Lek et al., 2016); In silico analysis, which includes protein predictors and evolutionary conservation, supports a deleterious effect; Has not been previously published as pathogenic or benign to our knowledge